The following is an entry in ClinVar:

ClinVar aggregate classification (germline): Pathogenic (1 of 4 stars; one submission).

Conditions:
Ehlers-Danlos syndrome, type 4 (EDSVASC). Also called: Ehlers-Danlos syndrome vascular type; Ehlers Danlos syndrome, ecchymotic type; Ehlers Danlos syndrome, arterial type; Ehlers Danlos syndrome, Sack-Barabas type; Ehlers-Danlos Syndrome Type IV. Identifiers: Orphanet 286, MedGen C0268338, MONDO:0017314, OMIM 130050.

Submission:

Labcorp Genetics (formerly Invitae), Labcorp
Classification: Pathogenic for Ehlers-Danlos syndrome, type 4. Last evaluated: 2023-07-14. Review status: criteria provided, single submitter. Criteria: Invitae Variant Classification Sherloc (09022015). Collection method: clinical testing. Allele origin: germline.
Comment: For these reasons, this variant has been classified as Pathogenic. This variant disrupts a region of the COL3A1 protein in which other variant(s) (p.Gly222Arg) have been determined to be pathogenic (PMID: 22492385, 24399159, 30474650, 30793832). This suggests that this is a clinically significant region of the protein, and that variants that disrupt it are likely to be disease-causing. This variant disrupts the triple helix domain of COL3A1. Glycine residues within the Gly-Xaa-Yaa repeats of the triple helix domain are required for the structure and stability of fibrillar collagens (PMID: 7695699, 8218237, 19344236). In COL3A1, variants that affect these glycine residues are significantly enriched in individuals with disease (PMID: 24922459, 25758994) compared to the general population (ExAC). ClinVar contains an entry for this variant (Variation ID: 1065947). This variant has not been reported in the literature in individuals affected with COL3A1-related conditions. This variant is not present in population databases (gnomAD no frequency). This variant, c.648_665del, results in the deletion of 6 amino acid(s) of the COL3A1 protein (p.Pro218_Pro223del), but otherwise preserves the integrity of the reading frame.

Literature cited by the submitters: PubMed 22492385; PubMed 24399159; PubMed 30474650; PubMed 30793832; PubMed 7695699; PubMed 8218237; PubMed 19344236; PubMed 24922459; PubMed 25758994.

NM_000090.4(COL3A1):c.648_665del (p.Pro218_Pro223del)

Gene: COL3A1 (collagen type III alpha 1 chain; plus strand). Cytogenetic location: 2q32.2.
Variant type: Deletion.
Coding change: c.648_665del on transcript NM_000090.4 (MANE Select); coding-DNA positions 648 to 665, 18 bases deleted (ACCTCCTGGTGCTATAGG).
Protein change: p.Pro218_Pro223del.
Molecular consequence: inframe deletion.
Genome position (GRCh38, 1-based): chr2:188,989,407-188,989,424, ACCTCCTGGTGCTATAGG deleted; deleting any 18 consecutive bases within chr2:188,989,404-188,989,424 gives the same sequence; the c. name uses the placement nearest the transcript's 3' end. VCF-style (leftmost placement, unchanged base first): chr2-188989403-CAGGACCTCCTGGTGCTAT-C. GRCh37 (hg19) VCF-style: chr2-189854129-CAGGACCTCCTGGTGCTAT-C.
Identifiers: ClinVar variation 1065947 (VCV001065947.9), dbSNP rs2153501869, ClinGen allele CA2499215527.